The following is an entry in ClinVar:

ClinVar aggregate classification (germline): Uncertain significance. Review status: criteria provided, multiple submitters, no conflicts (2 of 4 stars). 2 submissions from 2 submitters: Uncertain significance (2). Last evaluated 2024-12-17.

Conditions:
Capillary malformation-arteriovenous malformation syndrome. Also called: Capillary malformation-arteriovenous malformation. Identifiers: Orphanet 137667, MedGen C1842180, MONDO:0012016.

Allele frequency attached by ClinVar (database versions not stated): TOPMed below 0.00001.

Submissions (2):

Labcorp Genetics (formerly Invitae), Labcorp
Classification: Uncertain significance for Capillary malformation-arteriovenous malformation syndrome. Last evaluated: 2024-12-17. Review status: criteria provided, single submitter. Criteria: Invitae Variant Classification Sherloc (09022015). Collection method: clinical testing. Allele origin: germline.
Comment: This sequence change replaces alanine, which is neutral and non-polar, with glycine, which is neutral and non-polar, at codon 908 of the RASA1 protein (p.Ala908Gly). This variant is not present in population databases (gnomAD no frequency). This variant has not been reported in the literature in individuals affected with RASA1-related conditions. ClinVar contains an entry for this variant (Variation ID: 1204618). An algorithm developed to predict the effect of missense changes on protein structure and function (PolyPhen-2) suggests that this variant is likely to be disruptive. In summary, the available evidence is currently insufficient to determine the role of this variant in disease. Therefore, it has been classified as a Variant of Uncertain Significance.

GeneDx
Classification: Uncertain significance. Last evaluated: 2023-02-21. Review status: criteria provided, single submitter. Criteria: GeneDx Variant Classification Process June 2021. Collection method: clinical testing. Allele origin: germline. Affected: yes.
Comment: Not observed in large population cohorts (gnomAD); In silico analysis, which includes protein predictors and evolutionary conservation, supports a deleterious effect; Has not been previously published as pathogenic or benign to our knowledge

NM_002890.3(RASA1):c.2723C>G (p.Ala908Gly)

Genes: CCNH (cyclin H; minus strand), RASA1 (RAS p21 protein activator 1; plus strand). Cytogenetic location: 5q14.3.
Variant type: single nucleotide variant.
Coding change: c.2723C>G on transcript NM_002890.3 (MANE Select); coding-DNA position 2723, C replaced by G.
Protein change: p.Ala908Gly; replaces alanine 908 with glycine.
Molecular consequence: missense variant. On other transcripts: intron variant (1).
Genome position (GRCh38, 1-based): chr5:87,383,745, C>G. VCF-style: chr5-87383745-C-G. GRCh37 (hg19) VCF-style: chr5-86679562-C-G.
Other names: c.2192C>G, p.Ala731Gly (NM_022650.3); c.933+11299G>C (NM_001364075.2); short protein forms A731G, A908G.
Identifiers: ClinVar variation 1204618 (VCV001204618.10), dbSNP rs1761886517, ClinGen allele CA360386326.